The following is an entry in ClinVar:

NM_001365999.1(SZT2):c.2550+5G>C

Gene: SZT2 (SZT2 subunit of KICSTOR complex; plus strand). Cytogenetic location: 1p34.2.
Variant type: single nucleotide variant.
Coding change: c.2550+5G>C on transcript NM_001365999.1 (MANE Select); 5 bases into the intron after coding-DNA position 2550, G replaced by C.
Molecular consequence: intron variant.
Genome position (GRCh38, 1-based): chr1:43,424,867, G>C. VCF-style: chr1-43424867-G-C. GRCh37 (hg19) VCF-style: chr1-43890538-G-C.
Other names: c.2550+5G>C (NM_015284.4).
Identifiers: ClinVar variation 1431376 (VCV001431376.4), dbSNP rs41270349, ClinGen allele CA2573132462.

ClinVar aggregate classification (germline): Uncertain significance (1 of 4 stars; one submission).

gnomAD v4.1: 1 of 1,613,558 alleles (0.000062%); highest among the groups gnomAD compares: Non-Finnish European, 0.000085%; no homozygotes.

Submission:

Labcorp Genetics (formerly Invitae), Labcorp
Classification: Uncertain significance. Last evaluated: 2021-11-06. Review status: criteria provided, single submitter. Criteria: Invitae Variant Classification Sherloc (09022015). Collection method: clinical testing. Allele origin: germline.
Comment: In summary, the available evidence is currently insufficient to determine the role of this variant in disease. Therefore, it has been classified as a Variant of Uncertain Significance. Variants that disrupt the consensus splice site are a relatively common cause of aberrant splicing (PMID: 17576681, 9536098). Algorithms developed to predict the effect of sequence changes on RNA splicing suggest that this variant may disrupt the consensus splice site. This sequence change falls in intron 17 of the SZT2 gene. It does not directly change the encoded amino acid sequence of the SZT2 protein. It affects a nucleotide within the consensus splice site. This variant is not present in population databases (gnomAD no frequency). This variant has not been reported in the literature in individuals affected with SZT2-related conditions.

Literature cited by the submitters: PubMed 17576681; PubMed 9536098.